The following is an entry in ClinVar:

ClinVar aggregate classification (germline): Uncertain significance (1 of 4 stars; one submission).

Conditions:
Spastic paraplegia. Identifiers: MedGen C0037772, HP:0001258.

Submission:

Labcorp Genetics (formerly Invitae), Labcorp
Classification: Uncertain significance for Spastic paraplegia. Last evaluated: 2022-03-18. Review status: criteria provided, single submitter. Criteria: Invitae Variant Classification Sherloc (09022015). Collection method: clinical testing. Allele origin: germline.
Comment: In summary, the available evidence is currently insufficient to determine the role of this variant in disease. Therefore, it has been classified as a Variant of Uncertain Significance. Algorithms developed to predict the effect of missense changes on protein structure and function are either unavailable or do not agree on the potential impact of this missense change (SIFT: "Tolerated"; PolyPhen-2: "Possibly Damaging"; Align-GVGD: "Class C0"). This variant has not been reported in the literature in individuals affected with RTN2-related conditions. The frequency data for this variant in the population databases is considered unreliable, as metrics indicate poor data quality at this position in the gnomAD database. This sequence change replaces histidine, which is basic and polar, with tyrosine, which is neutral and polar, at codon 405 of the RTN2 protein (p.His405Tyr).

NM_005619.5(RTN2):c.1213C>T (p.His405Tyr)

Genes: OPA3-RTN2 (OPA3-RTN2 readthrough; minus strand), RTN2 (reticulon 2; minus strand). Cytogenetic location: 19q13.32.
Variant type: single nucleotide variant.
Coding change: c.1213C>T on transcript NM_005619.5 (MANE Select); coding-DNA position 1213, C replaced by T.
Protein change: p.His405Tyr; replaces histidine 405 with tyrosine.
Molecular consequence: missense variant.
Genome position (GRCh38, 1-based): chr19:45,489,374, G>A on the plus strand (C>T on the coding strand, the complement: RTN2 is on the minus strand). VCF-style: chr19-45489374-G-A. GRCh37 (hg19) VCF-style: chr19-45992632-G-A.
Other names: c.994C>T, p.His332Tyr (NM_206900.3); c.193C>T, p.His65Tyr (NM_206901.3); short protein forms H332Y, H405Y, H65Y.
Identifiers: ClinVar variation 2063421 (VCV002063421.4), dbSNP rs1169012494, ClinGen allele CA406356192.